The following is an entry in ClinVar:

ClinVar aggregate classification (germline): Uncertain significance. Review status: reviewed by expert panel (3 of 4 stars). 4 submissions from 4 submitters: Uncertain significance (1). 3 of the submissions do not count toward it. Last evaluated 2024-07-17.

Conditions:
Inborn genetic diseases. Identifiers: MedGen C0950123, MeSH D030342.
Hereditary thrombocytopenia and hematological cancer predisposition syndrome associated with RUNX1. Also called: Familial thrombocytopenia with propensity to acute myelogenous leukemia; PLATELET DISORDER, ASPIRIN-LIKE; RUNX1 Familial Platelet Disorder with Associated Myeloid Malignancies; Familial Platelet Disorder with Propensity to Acute Myelogenous Leukemia. Identifiers: Orphanet 71290, MedGen C1832388, MeSH C563324, MONDO:0100083, OMIM 601399.
Hereditary thrombocytopenia and hematologic cancer predisposition syndrome. Identifiers: Orphanet 71290, MedGen CN281654, MONDO:0011071.

Allele frequency attached by ClinVar (database versions not stated): gnomAD exomes below 0.00001.
gnomAD v4.1: 6 of 1,614,084 alleles (0.00037%); highest among the groups gnomAD compares: South Asian, 0.0011%; no homozygotes.

Submissions (4):

ClinGen Myeloid Malignancy Variant Curation Expert Panel
Classification: Uncertain significance for Hereditary thrombocytopenia and hematologic cancer predisposition syndrome. Last evaluated: 2024-07-17. Review status: reviewed by expert panel. Criteria: ClinGen MyeloMalig ACMG Specifications v2. Collection method: curation. Allele origin: germline. Inheritance: Autosomal dominant inheritance.
Comment: NM_001754.5(RUNX1):c.559G>A (p.Ala187Thr) is a missense variant affecting one of the residues within the Runt Homology Domain (PM1_supporting). This variant has a REVEL score ≥0.88 (0.96) and SpliceAI predicts no impact on splicing (score: 0.00) (PP3). It has been reported in two probands meeting at least one of the RUNX1-phenotypic criteria (PS4_Moderate; PMID: 34166225, internal lab evidence). In summary, the clinical significance of this variant is uncertain. ACMG/AMP criteria applied, as specified by the Myeloid Malignancy Variant Curation Expert Panel for RUNX1: PM1_supporting, PP3, PS4_Moderate.

Ambry Genetics
Classification: Uncertain significance for Inborn genetic diseases. Last evaluated: 2025-02-07. Review status: criteria provided, single submitter. Criteria: Ambry Variant Classification Scheme 2023. Collection method: clinical testing. Allele origin: germline. Not counted in ClinVar's aggregate classification.
Comment: The p.A187T variant (also known as c.559G>A), located in coding exon 5 of the RUNX1 gene, results from a G to A substitution at nucleotide position 559. The alanine at codon 187 is replaced by threonine, an amino acid with similar properties. This variant was reported in individual(s) with features consistent with RUNX1 familial platelet disorder with associated myeloid malignancies; in at least one individual, the variant was determined to be of germline origin via fibroblast testing (Li Y et al. J Clin Invest, 2021 Jun;131; Liu C et al. EJHaem, 2023 Feb;4:145-152). This amino acid position is highly conserved in available vertebrate species. In addition, this alteration is predicted to be deleterious by in silico analysis. Based on the available evidence, the clinical significance of this variant remains unclear.

Labcorp Genetics (formerly Invitae), Labcorp
Classification: Uncertain significance for Hereditary thrombocytopenia and hematological cancer predisposition syndrome associated with RUNX1. Last evaluated: 2023-12-30. Review status: criteria provided, single submitter. Criteria: Invitae Variant Classification Sherloc (09022015). Collection method: clinical testing. Allele origin: germline. Not counted in ClinVar's aggregate classification.
Comment: This sequence change replaces alanine, which is neutral and non-polar, with threonine, which is neutral and polar, at codon 187 of the RUNX1 protein (p.Ala187Thr). This variant is present in population databases (no rsID available, gnomAD 0.004%). This missense change has been observed in individual(s) with acute lymphoblastic leukemia (PMID: 34166225). ClinVar contains an entry for this variant (Variation ID: 1014459). Advanced modeling of protein sequence and biophysical properties (such as structural, functional, and spatial information, amino acid conservation, physicochemical variation, residue mobility, and thermodynamic stability) has been performed at Invitae for this missense variant, however the output from this modeling did not meet the statistical confidence thresholds required to predict the impact of this variant on RUNX1 protein function. Experimental studies have shown that this missense change does not substantially affect RUNX1 function (PMID: 34166225). In summary, the available evidence is currently insufficient to determine the role of this variant in disease. Therefore, it has been classified as a Variant of Uncertain Significance.

Blueprint Genetics
Classification: Uncertain significance. Last evaluated: 2023-08-30. Review status: criteria provided, single submitter. Criteria: ACMG Guidelines, 2015. Collection method: clinical testing. Allele origin: germline. Not counted in ClinVar's aggregate classification.

Literature cited by the submitters: PubMed 34166225 (cited by Ambry Genetics and Labcorp Genetics (formerly Invitae), Labcorp); PubMed 36819173 (cited by Ambry Genetics).

NM_001754.5(RUNX1):c.559G>A (p.Ala187Thr)

Genes: RUNX1 (RUNX family transcription factor 1; minus strand), RUNX1-AS1 (RUNX1 antisense RNA 1; plus strand). Cytogenetic location: 21q22.12.
Variant type: single nucleotide variant.
Coding change: c.559G>A on transcript NM_001754.5 (MANE Select); coding-DNA position 559, G replaced by A.
Protein change: p.Ala187Thr; replaces alanine 187 with threonine.
Molecular consequence: missense variant.
Genome position (GRCh38, 1-based): chr21:34,859,528, C>T on the plus strand (G>A on the coding strand, the complement: RUNX1 is on the minus strand). VCF-style: chr21-34859528-C-T. GRCh37 (hg19) VCF-style: chr21-36231825-C-T.
Other names: NM_001754.5(RUNX1):c.559G>A; p.Ala187Thr; c.478G>A, p.Ala160Thr (NM_001001890.3, NM_001122607.2); c.559G>A (NM_001754.4); short protein forms A160T, A187T.
Identifiers: ClinVar variation 1014459 (VCV001014459.10), dbSNP rs1429953108, ClinGen allele CA410208052.
Genomic context (GRCh38, chr21:34,859,528, plus strand): 5'-ACTTACTTCGAGGTTCTCGGGGCCCATCCACTGTGATTTTGATGGCTCTGTGGTAGGTGG[C>T]GACTTGCGGTGGGTTTGTGAAGACAGTGATGGTCAGAGTGAAGCTTTTCCCTGTGGGGAC-3'
Protein context (NP_001745.2, residues 177-197): ITVFTNPPQV[Ala187Thr]TYHRAIKITV